The following is an entry in ClinVar:

NM_005450.6(NOG):c.107C>T (p.Ala36Val)

Gene: NOG (noggin; plus strand). Cytogenetic location: 17q22.
Variant type: single nucleotide variant.
Coding change: c.107C>T on transcript NM_005450.6 (MANE Select); coding-DNA position 107, C replaced by T.
Protein change: p.Ala36Val; replaces alanine 36 with valine.
Molecular consequence: missense variant.
Genome position (GRCh38, 1-based): chr17:56,594,330, C>T. VCF-style: chr17-56594330-C-T. GRCh37 (hg19) VCF-style: chr17-54671691-C-T.
Other names: short protein forms A36V.
Identifiers: ClinVar variation 2550235 (VCV002550235.5), dbSNP rs771355844, ClinGen allele CA8663136.
Genomic context (GRCh38, chr17:56,594,330, plus strand): 5'-TGGTCCTGGGGCTGCGGGCGACACCGGCCGGCGGCCAGCACTATCTCCACATCCGCCCGG[C>T]ACCCAGCGACAACCTGCCCCTGGTGGACCTCATCGAACACCCAGACCCTATCTTTGACCC-3'
Protein context (NP_005441.1, residues 26-46): GGQHYLHIRP[Ala36Val]PSDNLPLVDL

ClinVar aggregate classification (germline): Uncertain significance. Review status: criteria provided, multiple submitters, no conflicts (2 of 4 stars). 2 submissions from 2 submitters: Uncertain significance (2). Last evaluated 2023-05-23.

Conditions:
Inborn genetic diseases. Identifiers: MedGen C0950123, MeSH D030342.

Allele frequency attached by ClinVar (database versions not stated): gnomAD exomes below 0.00001; ExAC 0.00001.

Submissions (2):

Ambry Genetics
Classification: Uncertain significance for Inborn genetic diseases. Last evaluated: 2023-05-23. Review status: criteria provided, single submitter. Criteria: Ambry Variant Classification Scheme 2023. Collection method: clinical testing. Allele origin: germline.

Labcorp Genetics (formerly Invitae), Labcorp
Classification: Uncertain significance. Last evaluated: 2023-02-01. Review status: criteria provided, single submitter. Criteria: Invitae Variant Classification Sherloc (09022015). Collection method: clinical testing. Allele origin: germline.
Comment: This sequence change replaces alanine, which is neutral and non-polar, with valine, which is neutral and non-polar, at codon 36 of the NOG protein (p.Ala36Val). This variant is present in population databases (rs771355844, gnomAD 0.003%). This variant has not been reported in the literature in individuals affected with NOG-related conditions. Algorithms developed to predict the effect of missense changes on protein structure and function are either unavailable or do not agree on the potential impact of this missense change (SIFT: "Deleterious"; PolyPhen-2: "Benign"; Align-GVGD: "Class C55"). In summary, the available evidence is currently insufficient to determine the role of this variant in disease. Therefore, it has been classified as a Variant of Uncertain Significance.